The following is an entry in ClinVar:

NM_000046.5(ARSB):c.247_248del (p.Asp83fs)

Genes: ARSB (arylsulfatase B; minus strand), LOC129994126 (ATAC-STARR-seq lymphoblastoid silent region 16127; plus strand). Cytogenetic location: 5q14.1.
Variant type: Deletion.
Coding change: c.247_248del on transcript NM_000046.5 (MANE Select); coding-DNA positions 247 to 248, 2 bases deleted (GA; older notation c.247_248delGA).
Protein change: p.Asp83fs; shifts the reading frame from aspartic acid 83.
Molecular consequence: frameshift variant.
Genome position (GRCh38, 1-based): chr5:78,985,001-78,985,002, TC deleted on the plus strand (GA on the coding strand, the reverse complement: ARSB is on the minus strand). VCF-style (leftmost placement, unchanged base first): chr5-78985000-GTC-G. GRCh37 (hg19) VCF-style: chr5-78280823-GTC-G.
Other names: c.247_248del, p.Asp83fs (NM_198709.3); short protein forms D83fs.
Identifiers: ClinVar variation 559748 (VCV000559748.1), dbSNP rs1554032131, ClinGen allele CA658822939.

ClinVar aggregate classification (germline): Likely pathogenic (1 of 4 stars; one submission).

Conditions:
Mucopolysaccharidosis type 6 (MPS6). Also called: N-ACETYLGALACTOSAMINE-4-SULFATASE DEFICIENCY; MPS VI; MPS 6; Maroteaux Lamy syndrome; ARSB DEFICIENCY; ARYLSULFATASE B DEFICIENCY. Identifiers: Orphanet 583, MedGen C0026709, MONDO:0009661, OMIM 253200.

Submission:

Laboratory of Diagnosis and Therapy of Lysosomal Disorders, University of Padova
Classification: Likely pathogenic for Mucopolysaccharidosis type 6. Last evaluated: 2018-01-01. Review status: criteria provided, single submitter. Criteria: ACMG Guidelines, 2015. Collection method: curation. Allele origin: germline. Affected: yes.
Comment: Frameshift variant (PVS1); Absent from GnomAD (PM2)

Literature cited by the submitters: PubMed 24373060; PubMed 30118150.